The following is an entry in ClinVar:

ClinVar aggregate classification (germline): Uncertain significance (1 of 4 stars; one submission).

Conditions:
Joubert syndrome. Also called: CEREBELLOPARENCHYMAL DISORDER IV; JOUBERT-BOLTSHAUSER SYNDROME; Familial aplasia of the vermis. Identifiers: Orphanet 475, MedGen C5979921, MONDO:0018772.

Submission:

Labcorp Genetics (formerly Invitae), Labcorp
Classification: Uncertain significance for Joubert syndrome. Last evaluated: 2022-07-17. Review status: criteria provided, single submitter. Criteria: Invitae Variant Classification Sherloc (09022015). Collection method: clinical testing. Allele origin: germline.
Comment: In summary, the available evidence is currently insufficient to determine the role of this variant in disease. Therefore, it has been classified as a Variant of Uncertain Significance. Algorithms developed to predict the effect of missense changes on protein structure and function are either unavailable or do not agree on the potential impact of this missense change (SIFT: "Deleterious"; PolyPhen-2: "Probably Damaging"; Align-GVGD: "Class C0"). This variant has not been reported in the literature in individuals affected with AHI1-related conditions. This variant is not present in population databases (gnomAD no frequency). This sequence change replaces isoleucine, which is neutral and non-polar, with methionine, which is neutral and non-polar, at codon 817 of the AHI1 protein (p.Ile817Met).

NM_001134831.2(AHI1):c.2451C>G (p.Ile817Met)

Gene: AHI1 (Abelson helper integration site 1; minus strand). Cytogenetic location: 6q23.3.
Variant type: single nucleotide variant.
Coding change: c.2451C>G on transcript NM_001134831.2 (MANE Select); coding-DNA position 2451, C replaced by G.
Protein change: p.Ile817Met; replaces isoleucine 817 with methionine.
Molecular consequence: missense variant.
Genome position (GRCh38, 1-based): chr6:135,429,923, G>C on the plus strand (C>G on the coding strand, the complement: AHI1 is on the minus strand). VCF-style: chr6-135429923-G-C. GRCh37 (hg19) VCF-style: chr6-135751061-G-C.
Other names: c.2451C>G, p.Ile817Met (NM_001134830.2, NM_001134832.2, NM_001350503.2 and 2 more transcripts); short protein forms I817M.
Identifiers: ClinVar variation 1965414 (VCV001965414.3), dbSNP rs2484551222, ClinGen allele CA365742690.